The following is an entry in ClinVar:

ClinVar aggregate classification (germline): Conflicting classifications of pathogenicity. Review status: criteria provided, conflicting classifications (1 of 4 stars). 16 submissions from 12 submitters: Uncertain significance (10); Benign (1); Likely benign (5). Last evaluated 2025-12-12.

Conditions:
TTN-related disorder. Also called: TTN-related condition; TTN-related disease; TTN-related disorders.
Autosomal recessive limb-girdle muscular dystrophy type 2J (LGMDR10). Also called: Limb-girdle muscular dystrophy, type 2J; MUSCULAR DYSTROPHY, LIMB-GIRDLE, AUTOSOMAL RECESSIVE 10. Identifiers: Orphanet 140922, MedGen C1837342, MONDO:0012127, OMIM 608807.
Dilated cardiomyopathy 1G (CMD1G). Identifiers: Orphanet 154, MedGen C1858763, MONDO:0011400, OMIM 604145.
Early-onset myopathy with fatal cardiomyopathy (CMYO5). Also called: Salih Myopathy; CONGENITAL MYOPATHY 5 WITH CARDIOMYOPATHY. Identifiers: Orphanet 289377, MedGen C2673677, MONDO:0012714, OMIM 611705. Disease mechanism: loss of function.
Tibial muscular dystrophy (TMD). Also called: Tibial muscular dystrophy, tardive; UDD MYOPATHY; Udd Distal Myopathy – Tibial Muscular Dystrophy. Identifiers: Orphanet 609, MedGen C1838244, MONDO:0010870, OMIM 600334.
Myopathy, myofibrillar, 9, with early respiratory failure (MFM9). Also called: EDSTROM MYOPATHY; MYOPATHY, PROXIMAL, WITH EARLY RESPIRATORY MUSCLE INVOLVEMENT; Myopathy, distal, with early respiratory failure, autosomal dominant; Hereditary myopathy with early respiratory failure. Identifiers: Orphanet 178464, Orphanet 34521, MedGen C1863599, MONDO:0011362, OMIM 603689.

Allele frequency attached by ClinVar (database versions not stated): ExAC 0.00008; gnomAD exomes 0.00014 and 0.00033; ESP Exome Variant Server 0.00016; TOPMed 0.00018; gnomAD 0.00023.
gnomAD v4.1: 505 of 1,594,752 alleles (0.032%); highest among the groups gnomAD compares: Non-Finnish European, 0.041%; no homozygotes.

Submissions (16):

Mayo Clinic Laboratories, Mayo Clinic
Classification: Uncertain significance. Last evaluated: 2025-12-12. Review status: criteria provided, single submitter. Criteria: ACMG Guidelines, 2015. Collection method: clinical testing. Allele origin: germline. Observed: 1 variant allele.
Comment: BP1

PreventionGenetics, part of Exact Sciences
Classification: Likely benign for TTN-related condition. Last evaluated: 2025-09-22. Review status: criteria provided, single submitter. Criteria: ACMG Guidelines, 2015. Collection method: clinical testing. Allele origin: germline.
Comment: This variant is classified as likely benign based on ACMG/AMP sequence variant interpretation guidelines (Richards et al. 2015 PMID: 25741868, with internal and published modifications).

Revvity Omics, Revvity
Classification: Uncertain significance. Last evaluated: 2025-08-11. Review status: criteria provided, single submitter. Criteria: ACMG Guidelines, 2015. Collection method: clinical testing. Allele origin: germline.

Women's Health and Genetics/Laboratory Corporation of America, LabCorp
Classification: Likely benign. Last evaluated: 2024-10-28. Review status: criteria provided, single submitter. Criteria: LabCorp Variant Classification Summary - May 2015. Collection method: clinical testing. Allele origin: germline.
Comment: Variant summary: TTN c.86849T>C (p.Val28950Ala) results in a non-conservative amino acid change located in the A-band of the encoded protein sequence. Four of five in-silico tools predict a damaging effect of the variant on protein function. The variant allele was found at a frequency of 0.00032 in 1594752 control chromosomes, predominantly at a frequency of 0.00041 within the Non-Finnish European subpopulation in the gnomAD database. The observed variant frequency within Non-Finnish European control individuals in the gnomAD database is approximately equal to the estimated maximal expected allele frequency for a pathogenic variant in TTN causing Dilated Cardiomyopathy phenotype (0.00039). c.86849T>C has been reported in the literature in individuals affected with Dilated Cardiomyopathy and Hypertrophic Cardiomyopathy, without strong evidence for causality (e.g. Lopes, van Lint_2019, Minoche_2019). These reports do not provide unequivocal conclusions about association of the variant with Dilated Cardiomyopathy. To our knowledge, no experimental evidence demonstrating an impact on protein function has been reported. The following publications have been ascertained in the context of this evaluation (PMID: 23396983, 29961767, 30847666). ClinVar contains an entry for this variant (Variation ID: 203005). Based on the evidence outlined above, the variant was classified as likely benign.

CeGaT Center for Human Genetics Tuebingen
Classification: Uncertain significance. Last evaluated: 2024-10-01. Review status: criteria provided, single submitter. Criteria: CeGaT Center For Human Genetics Tuebingen Variant Classification Criteria Version 2. Collection method: clinical testing. Allele origin: germline. Affected: yes. Observed: 3 variant alleles.

Blueprint Genetics
Classification: Likely benign. Last evaluated: 2024-08-08. Review status: criteria provided, single submitter. Criteria: ACMG Guidelines, 2015. Collection method: clinical testing. Allele origin: germline.

Athena Diagnostics
Classification: Uncertain significance. Last evaluated: 2021-06-17. Review status: criteria provided, single submitter. Criteria: Athena Diagnostics Criteria. Collection method: clinical testing. Allele origin: unknown.

GeneDx
Classification: Likely benign. Last evaluated: 2021-04-16. Review status: criteria provided, single submitter. Criteria: GeneDx Variant Classification Process June 2021. Collection method: clinical testing. Allele origin: germline. Affected: yes.
Comment: This variant is associated with the following publications: (PMID: 23396983, 30847666)

Eurofins Ntd Llc (ga)
Classification: Uncertain significance. Last evaluated: 2018-07-03. Review status: criteria provided, single submitter. Criteria: EGL ClinVar v180209 classification definitions. Collection method: clinical testing. Allele origin: germline. Observed: 4 variant alleles, 4 heterozygotes.

Illumina Laboratory Services, Illumina
Classification: Likely benign for Myopathy, myofibrillar, 9, with early respiratory failure. Last evaluated: 2018-01-13. Review status: criteria provided, single submitter. Criteria: ICSL Variant Classification Criteria 13 December 2019. Collection method: clinical testing. Allele origin: germline.
Comment: This variant was observed in the ICSL laboratory as part of a predisposition screen in an ostensibly healthy population. It had not been previously curated by ICSL or reported in the Human Gene Mutation Database (HGMD: prior to June 1st, 2018), and was therefore a candidate for classification through an automated scoring system. Utilizing variant allele frequency, disease prevalence and penetrance estimates, and inheritance mode, an automated score was calculated to assess if this variant is too frequent to cause the disease. Based on the score and internal cut-off values, a variant classified as likely benign is not then subjected to further curation. The score for this variant resulted in a classification of likely benign for this disease.

Illumina Laboratory Services, Illumina
Classification: Benign for Tibial muscular dystrophy. Last evaluated: 2018-01-13. Review status: criteria provided, single submitter. Criteria: ICSL Variant Classification Criteria 13 December 2019. Collection method: clinical testing. Allele origin: germline.
Comment: This variant was observed in the ICSL laboratory as part of a predisposition screen in an ostensibly healthy population. It had not been previously curated by ICSL or reported in the Human Gene Mutation Database (HGMD: prior to June 1st, 2018), and was therefore a candidate for classification through an automated scoring system. Utilizing variant allele frequency, disease prevalence and penetrance estimates, and inheritance mode, an automated score was calculated to assess if this variant is too frequent to cause the disease. Based on the score and internal cut-off values, a variant classified as benign is not then subjected to further curation. The score for this variant resulted in a classification of benign for this disease.

Illumina Laboratory Services, Illumina
Classification: Uncertain significance for Dilated cardiomyopathy 1G. Last evaluated: 2018-01-13. Review status: criteria provided, single submitter. Criteria: ICSL Variant Classification Criteria 13 December 2019. Collection method: clinical testing. Allele origin: germline.

Illumina Laboratory Services, Illumina
Classification: Uncertain significance for Autosomal recessive limb-girdle muscular dystrophy type 2J. Last evaluated: 2018-01-13. Review status: criteria provided, single submitter. Criteria: ICSL Variant Classification Criteria 13 December 2019. Collection method: clinical testing. Allele origin: germline.

Illumina Laboratory Services, Illumina
Classification: Uncertain significance for Early-onset myopathy with fatal cardiomyopathy. Last evaluated: 2018-01-13. Review status: criteria provided, single submitter. Criteria: ICSL Variant Classification Criteria 13 December 2019. Collection method: clinical testing. Allele origin: germline.

Labcorp Genetics (formerly Invitae), Labcorp
Classification: Uncertain significance for Dilated cardiomyopathy 1G; Autosomal recessive limb-girdle muscular dystrophy type 2J. Last evaluated: 2018-01-06. Review status: criteria provided, single submitter. Criteria: Invitae Variant Classification Sherloc (09022015). Collection method: clinical testing. Allele origin: germline.

Laboratory for Molecular Medicine, Mass General Brigham Personalized Medicine
Classification: Uncertain significance. Last evaluated: 2015-07-22. Review status: criteria provided, single submitter. Criteria: LMM Criteria. Collection method: clinical testing. Allele origin: germline. Observed: 4 variant alleles.
Comment: The p.Val28950Ala variant in TTN has not been previously reported in individuals with cardiomyopathy, but has been identified in 9/64750 European chromosomes by the Exome Aggregation Consortium (ExAC; dbSNP r s377016580). Computational prediction tools and conservation analysis do not pro vide strong support for or against an impact to the protein. In summary, the cli nical significance of the p.Val28950Ala variant is uncertain.

Literature cited by the submitters: PubMed 30847666 (cited by Mayo Clinic Laboratories, Mayo Clinic and Women's Health and Genetics/Laboratory Corporation of America, LabCorp); PubMed 23396983 (cited by Women's Health and Genetics/Laboratory Corporation of America, LabCorp); PubMed 29961767 (cited by Women's Health and Genetics/Laboratory Corporation of America, LabCorp and Athena Diagnostics).

NM_001267550.2(TTN):c.94553T>C (p.Val31518Ala)

Genes: TTN (titin; minus strand), TTN-AS1 (TTN antisense RNA 1; plus strand). Cytogenetic location: 2q31.2.
Variant type: single nucleotide variant.
Coding change: c.94553T>C on transcript NM_001267550.2 (MANE Select); coding-DNA position 94553, T replaced by C.
Protein change: p.Val31518Ala; replaces valine 31518 with alanine.
Molecular consequence: missense variant.
Genome position (GRCh38, 1-based): chr2:178,546,875, A>G on the plus strand (T>C on the coding strand, the complement: TTN is on the minus strand). VCF-style: chr2-178546875-A-G. GRCh37 (hg19) VCF-style: chr2-179411602-A-G.
Other names: p.V29877A:GTC>GCC; p.Val29877Ala; c.89630T>C, p.Val29877Ala (NM_001256850.1); c.86849T>C, p.Val28950Ala (NM_133378.4); c.67358T>C, p.Val22453Ala (NM_003319.4); c.67733T>C, p.Val22578Ala (NM_133432.3); c.67934T>C, p.Val22645Ala (NM_133437.4); c.94553T>C (NM_001267550.1); short protein forms V29877A, V31518A, V28950A, V22578A, V22453A, V22645A.
Identifiers: ClinVar variation 203005 (VCV000203005.65), dbSNP rs377016580, ClinGen allele CA310953.
Genomic context (GRCh38, chr2:178,546,875, plus strand): 5'-ACCTTGCTGCCTCCATCATACGCTGGGGCAGACCAAATCAGTGATACTGTTGATCTTGTG[A>G]CATCTGTCACCTCTGGTCTGCCTGGTGCATCTGGAAGGGATGCAAAAATAAGGTTAAAAT-3'
Protein context (NP_001254479.2, residues 31508-31528): DAPGRPEVTD[Val31518Ala]TRSTVSLIWS